The following is an entry in ClinVar:

NM_000492.4(CFTR):c.912C>T (p.Tyr304=)

Gene: CFTR (CF transmembrane conductance regulator; plus strand). Cytogenetic location: 7q31.2.
Variant type: single nucleotide variant.
Coding change: c.912C>T on transcript NM_000492.4 (MANE Select); coding-DNA position 912, C replaced by T.
Protein change: p.Tyr304=; no amino-acid change (tyrosine 304 retained).
Molecular consequence: synonymous variant.
Genome position (GRCh38, 1-based): chr7:117,540,142, C>T. VCF-style: chr7-117540142-C-T. GRCh37 (hg19) VCF-style: chr7-117180196-C-T.
Identifiers: ClinVar variation 1904414 (VCV001904414.6), dbSNP rs397508816, ClinGen allele CA4450862.
Genomic context (GRCh38, chr7:117,540,142, plus strand): 5'-TGTTATTGTTTTTTATAGAACAGAACTGAAACTGACTCGGAAGGCAGCCTATGTGAGATA[C>T]TTCAATAGCTCAGCCTTCTTCTTCTCAGGGTTCTTTGTGGTGTTTTTATCTGTGCTTCCC-3'
Protein context (NP_000483.3, residues 294-314): KLTRKAAYVR[Tyr304=]FNSSAFFFSG

ClinVar aggregate classification (germline): Conflicting classifications of pathogenicity. Review status: criteria provided, conflicting classifications (1 of 4 stars). 2 submissions from 2 submitters: Uncertain significance (1); Likely benign (1). Last evaluated 2026-04-24.

Conditions:
Cystic fibrosis (CF). Also called: MUCOVISCIDOSIS. Identifiers: Orphanet 586, MedGen C0010674, MONDO:0009061, OMIM 219700. Disease mechanism: loss of function.

Allele frequency attached by ClinVar (database versions not stated): TOPMed below 0.00001; ExAC 0.00002; gnomAD 0.00001; gnomAD exomes 0.00001.
gnomAD v4.1: 22 of 1,613,220 alleles (0.0014%); highest among the groups gnomAD compares: Non-Finnish European, 0.0017%; no homozygotes.

Submissions (2):

Ambry Genetics
Classification: Uncertain significance for Cystic fibrosis. Last evaluated: 2026-04-24. Review status: criteria provided, single submitter. Criteria: Ambry Variant Classification Scheme 2023. Collection method: clinical testing. Allele origin: germline.
Comment: The c.912C>T variant (also known as p.Y304Y), located in coding exon 8 of the CFTR gene, results from a C to T substitution at nucleotide position 912. This nucleotide substitution does not change the amino acid at codon 304. This nucleotide position is well conserved in available vertebrate species. In silico splice site analysis for this alteration is inconclusive. Based on the available evidence, the clinical significance of this variant remains unclear.

Labcorp Genetics (formerly Invitae), Labcorp
Classification: Likely benign for Cystic fibrosis. Last evaluated: 2024-01-28. Review status: criteria provided, single submitter. Criteria: Invitae Variant Classification Sherloc (09022015). Collection method: clinical testing. Allele origin: germline.